The following is an entry in ClinVar:

ClinVar aggregate classification (germline): Uncertain significance (1 of 4 stars; one submission).

Submission:

Laboratory for Molecular Medicine, Mass General Brigham Personalized Medicine
Classification: Uncertain significance. Last evaluated: 2014-07-17. Review status: criteria provided, single submitter. Criteria: LMM Criteria. Collection method: clinical testing. Allele origin: germline. Observed: 1 variant allele.
Comment: The 1963-3C>T variant in NEBL has not been reported in individuals with cardiomy opathy or in large population studies. This variant is located in the 3' splice region. Computational tools do not suggest an impact to splicing; however, this information is not predictive enough to rule out pathogenicity. In addition, all published variants in NEBL are missense variants and the significance of varian ts that may cause loss of protein function remains unclear. In summary, the clin ical significance of the 1963-3C>T variant is uncertain.

NM_006393.3(NEBL):c.1963-3C>T

Gene: NEBL (nebulette; minus strand). Cytogenetic location: 10p12.31.
Variant type: single nucleotide variant.
Coding change: c.1963-3C>T on transcript NM_006393.3 (MANE Select); 3 bases into the intron before coding-DNA position 1963, C replaced by T.
Molecular consequence: intron variant.
Genome position (GRCh38, 1-based): chr10:20,819,519, G>A on the plus strand (C>T on the coding strand, the complement: NEBL is on the minus strand). VCF-style: chr10-20819519-G-A. GRCh37 (hg19) VCF-style: chr10-21108448-G-A.
Other names: c.250-6579C>T (NM_001377326.1, NM_001377327.1, NM_001377328.1); c.358-6579C>T (NM_213569.2, NM_001173484.2, NM_001377322.1); c.301-6579C>T (NM_001377324.1); c.292-6579C>T (NM_001377325.1); c.310-6579C>T (NM_001377323.1).
Identifiers: ClinVar variation 179169 (VCV000179169.5), dbSNP rs727504683, ClinGen allele CA183862.